The following is an entry in ClinVar:

ClinVar aggregate classification (germline): Uncertain significance (1 of 4 stars; one submission).

Conditions:
Werner syndrome (WRN). Identifiers: Orphanet 902, MedGen C0043119, MONDO:0010196, OMIM 277700.

Submission:

Labcorp Genetics (formerly Invitae), Labcorp
Classification: Uncertain significance for Werner syndrome. Last evaluated: 2021-04-13. Review status: criteria provided, single submitter. Criteria: Invitae Variant Classification Sherloc (09022015). Collection method: clinical testing. Allele origin: germline.
Comment: Algorithms developed to predict the effect of missense changes on protein structure and function are either unavailable or do not agree on the potential impact of this missense change (SIFT: "Not Available"; PolyPhen-2: "Benign"; Align-GVGD: "Not Available"). In summary, the available evidence is currently insufficient to determine the role of this variant in disease. Therefore, it has been classified as a Variant of Uncertain Significance. This variant has not been reported in the literature in individuals with WRN-related conditions. This variant is not present in population databases (ExAC no frequency). This sequence change replaces histidine with asparagine at codon 400 of the WRN protein (p.His400Asn). The histidine residue is weakly conserved and there is a small physicochemical difference between histidine and asparagine.

NM_000553.6(WRN):c.1198C>A (p.His400Asn)

Gene: WRN (WRN RecQ like helicase; plus strand). Cytogenetic location: 8p12.
Variant type: single nucleotide variant.
Coding change: c.1198C>A on transcript NM_000553.6 (MANE Select); coding-DNA position 1198, C replaced by A.
Protein change: p.His400Asn; replaces histidine 400 with asparagine.
Molecular consequence: missense variant.
Genome position (GRCh38, 1-based): chr8:31,081,225, C>A. VCF-style: chr8-31081225-C-A. GRCh37 (hg19) VCF-style: chr8-30938741-C-A.
Other names: short protein forms H400N.
Identifiers: ClinVar variation 1462123 (VCV001462123.6), dbSNP rs1813298603, ClinGen allele CA370921217.